The following is an entry in ClinVar:

NM_000302.4(PLOD1):c.89T>C (p.Val30Ala)

Gene: PLOD1 (procollagen-lysine,2-oxoglutarate 5-dioxygenase 1; plus strand). Cytogenetic location: 1p36.22.
Variant type: single nucleotide variant.
Coding change: c.89T>C on transcript NM_000302.4 (MANE Select); coding-DNA position 89, T replaced by C.
Protein change: p.Val30Ala; replaces valine 30 with alanine.
Molecular consequence: missense variant.
Genome position (GRCh38, 1-based): chr1:11,947,988, T>C. VCF-style: chr1-11947988-T-C. GRCh37 (hg19) VCF-style: chr1-12008045-T-C.
Other names: c.230T>C, p.Val77Ala (NM_001316320.2); short protein forms V30A, V77A.
Identifiers: ClinVar variation 292277 (VCV000292277.6), dbSNP rs777178486, ClinGen allele CA597780.

ClinVar aggregate classification (germline): Uncertain significance. Review status: criteria provided, multiple submitters, no conflicts (2 of 4 stars). 2 submissions from 2 submitters: Uncertain significance (2). Last evaluated 2019-07-18.

Conditions:
Ehlers-Danlos syndrome, kyphoscoliotic type 1 (EDSKSCL1). Also called: EHLERS-DANLOS SYNDROME, TYPE VIA; Ehlers-Danlos syndrome, hydroxylysine-deficient; EHLERS-DANLOS SYNDROME, OCULAR-SCOLIOTIC TYPE; PLOD1-Related Kyphoscoliotic Ehlers-Danlos Syndrome. Identifiers: Orphanet 1900, MedGen C0268342, MONDO:0016002, OMIM 225400. Disease mechanism: loss of function.

Allele frequency attached by ClinVar (database versions not stated): gnomAD exomes below 0.00001; ExAC 0.00001.
gnomAD v4.1: 3 of 1,611,658 alleles (0.00019%); highest among the groups gnomAD compares: South Asian, 0.0033%; no homozygotes.

Submissions (2):

GeneDx
Classification: Uncertain significance. Last evaluated: 2019-07-18. Review status: criteria provided, single submitter. Criteria: GeneDx Variant Classification Process June 2021. Collection method: clinical testing. Allele origin: germline. Affected: yes.
Comment: Not observed at a significant frequency in large population cohorts (Lek et al., 2016); In silico analysis, which includes protein predictors and evolutionary conservation, supports a deleterious effect; Has not been previously published as pathogenic or benign to our knowledge

Illumina Laboratory Services, Illumina
Classification: Uncertain significance for Ehlers-Danlos syndrome, kyphoscoliotic type 1. Last evaluated: 2018-01-13. Review status: criteria provided, single submitter. Criteria: ICSL Variant Classification Criteria 13 December 2019. Collection method: clinical testing. Allele origin: germline.